The following is an entry in ClinVar:

NM_001375883.1(GPR161):c.145G>A (p.Val49Met)

Gene: GPR161 (G protein-coupled receptor 161; minus strand). Cytogenetic location: 1q24.2.
Variant type: single nucleotide variant.
Coding change: c.145G>A on transcript NM_001375883.1 (MANE Select); coding-DNA position 145, G replaced by A.
Protein change: p.Val49Met; replaces valine 49 with methionine.
Molecular consequence: missense variant. On other transcripts: intron variant (4).
Genome position (GRCh38, 1-based): chr1:168,104,706, C>T on the plus strand (G>A on the coding strand, the complement: GPR161 is on the minus strand). VCF-style: chr1-168104706-C-T. GRCh37 (hg19) VCF-style: chr1-168073944-C-T.
Other names: c.145G>A, p.Val49Met (NM_001349634.1, NM_001375884.1, NM_001375885.1 and 5 more transcripts); c.-22-7474G>A (NM_001349635.1, NM_001267612.2); c.33-7474G>A (NM_001267614.1); c.141-7474G>A (NM_001267613.1); c.205G>A, p.Val69Met (NM_001267609.1); c.196G>A, p.Val66Met (NM_001267611.1); c.145G>A (NM_153832.2); short protein forms V49M, V69M, V66M.
Identifiers: ClinVar variation 3637468 (VCV003637468.3).

ClinVar aggregate classification (germline): Uncertain significance. Review status: criteria provided, multiple submitters, no conflicts (2 of 4 stars). 2 submissions from 2 submitters: Uncertain significance (2). Last evaluated 2026-10-01.

Conditions:
Medulloblastoma (MDB). Also called: Medulloblastoma, somatic; MEDULLOBLASTOMA PREDISPOSITION SYNDROME. Identifiers: Orphanet 616, MedGen C0025149, MeSH D008527, MONDO:0007959, OMIM 155255, HP:0002885.

gnomAD v4.1: 25 of 1,613,812 alleles (0.0015%); highest among the groups gnomAD compares: African/African-American, 0.0027%; no homozygotes.

Submissions (2):

St. Jude Molecular Pathology, St. Jude Children's Research Hospital
Classification: Uncertain significance for Medulloblastoma. Last evaluated: 2026-10-01. Review status: criteria provided, single submitter. Criteria: St. Jude Assertion Criteria 2020. Collection method: clinical testing. Allele origin: germline.
Comment: The GPR161 c.145G>A p.(Val49Met) missense change has a maximum subpopulation frequency of 0.005% in gnomAD v2.1.1. The in silico tool REVEL is inconclusive about a pathogenic or benign effect of this va riant on protein function, and to our knowledge functional studies have not been performed. To our knowledge, this variant has not been reported in the literature in individuals with medulloblastoma. In summary, the evidence currently available is insuff icient to determine the clinical significance of this variant. It has therefore been classified as of uncertain significance.

Labcorp Genetics (formerly Invitae), Labcorp
Classification: Uncertain significance. Last evaluated: 2025-05-04. Review status: criteria provided, single submitter. Criteria: Invitae Variant Classification Sherloc (09022015). Collection method: clinical testing. Allele origin: germline.
Comment: This sequence change replaces valine, which is neutral and non-polar, with methionine, which is neutral and non-polar, at codon 69 of the GPR161 protein (p.Val69Met). This variant is present in population databases (rs149730785, gnomAD 0.006%). This variant has not been reported in the literature in individuals affected with GPR161-related conditions. ClinVar contains an entry for this variant (Variation ID: 3637468). An algorithm developed to predict the effect of missense changes on protein structure and function (PolyPhen-2) suggests that this variant is likely to be disruptive. In summary, the available evidence is currently insufficient to determine the role of this variant in disease. Therefore, it has been classified as a Variant of Uncertain Significance.